The following is an entry in ClinVar:

NM_022124.6(CDH23):c.8193G>C (p.Gln2731His)

Gene: CDH23 (cadherin related 23; plus strand). Cytogenetic location: 10q22.1.
Variant type: single nucleotide variant.
Coding change: c.8193G>C on transcript NM_022124.6 (MANE Select); coding-DNA position 8193, G replaced by C.
Protein change: p.Gln2731His; replaces glutamine 2731 with histidine.
Molecular consequence: missense variant.
Genome position (GRCh38, 1-based): chr10:71,807,291, G>C. VCF-style: chr10-71807291-G-C. GRCh37 (hg19) VCF-style: chr10-73567048-G-C.
Other names: c.1473G>C, p.Gln491His (NM_001171933.1, NM_001171934.1); c.8193G>C (NM_022124.5); short protein forms Q2731H, Q491H.
Identifiers: ClinVar variation 1402637 (VCV001402637.7), dbSNP rs577340423, ClinGen allele CA5546575.
Genomic context (GRCh38, chr10:71,807,291, plus strand): 5'-GGGTCTTCCCTTGGCCCCATGTGATGACATCCCCCTCCCTCTGCAGAAAGGCAGCCCCCA[G>C]TACCAGCTGCTGACAGTGCCTGAGCACTCACCACGCGGCACCCTCGTGGGCAACGTGACA-3'
Protein context (NP_071407.4, residues 2721-2741): LFVRPPKGSP[Gln2731His]YQLLTVPEHS

ClinVar aggregate classification (germline): Uncertain significance. Review status: criteria provided, multiple submitters, no conflicts (2 of 4 stars). 2 submissions from 2 submitters: Uncertain significance (2). Last evaluated 2025-12-15.

Conditions:
Inborn genetic diseases. Identifiers: MedGen C0950123, MeSH D030342.

Allele frequency attached by ClinVar (database versions not stated): gnomAD exomes below 0.00001; TOPMed below 0.00001; ExAC 0.00001; gnomAD 0.00001; 1000 Genomes Project 0.00020; 1000 Genomes Project 30x 0.00031.
gnomAD v4.1: 1 of 1,613,750 alleles (0.000062%); highest among the groups gnomAD compares: African/African-American, 0.0013%; no homozygotes.

Submissions (2):

Ambry Genetics
Classification: Uncertain significance for Inborn genetic diseases. Last evaluated: 2025-12-15. Review status: criteria provided, single submitter. Criteria: Ambry Variant Classification Scheme 2023. Collection method: clinical testing. Allele origin: germline.

Labcorp Genetics (formerly Invitae), Labcorp
Classification: Uncertain significance. Last evaluated: 2022-02-02. Review status: criteria provided, single submitter. Criteria: Invitae Variant Classification Sherloc (09022015). Collection method: clinical testing. Allele origin: germline.
Comment: This sequence change replaces glutamine, which is neutral and polar, with histidine, which is basic and polar, at codon 2731 of the CDH23 protein (p.Gln2731His). This variant is present in population databases (rs577340423, gnomAD 0.007%). This variant has not been reported in the literature in individuals affected with CDH23-related conditions. Algorithms developed to predict the effect of missense changes on protein structure and function are either unavailable or do not agree on the potential impact of this missense change (SIFT: "Deleterious"; PolyPhen-2: "Not Available"; Align-GVGD: "Class C0"). In summary, the available evidence is currently insufficient to determine the role of this variant in disease. Therefore, it has been classified as a Variant of Uncertain Significance.